The following is an entry in ClinVar:

ClinVar aggregate classification (germline): Uncertain significance. Review status: criteria provided, multiple submitters, no conflicts (2 of 4 stars). 2 submissions from 2 submitters: Uncertain significance (2). Last evaluated 2026-05-01.

Conditions:
Early-infantile DEE. Also called: Early infantile epileptic encephalopathy; Early infantile epileptic encephalopathy with suppression bursts; Ohtahara syndrome. Identifiers: Orphanet 1934, MedGen C0393706, MONDO:0800491.

Submissions (2):

CeGaT Center for Human Genetics Tuebingen
Classification: Uncertain significance. Last evaluated: 2026-05-01. Review status: criteria provided, single submitter. Criteria: CeGaT Center For Human Genetics Tuebingen Variant Classification Criteria Version 2. Collection method: clinical testing. Allele origin: germline. Affected: yes. Observed: 1 variant allele.
Comment: SCN1A: PM2

Labcorp Genetics (formerly Invitae), Labcorp
Classification: Uncertain significance for Early-infantile DEE. Last evaluated: 2018-09-06. Review status: criteria provided, single submitter. Criteria: Invitae Variant Classification Sherloc (09022015). Collection method: clinical testing. Allele origin: germline.
Comment: Algorithms developed to predict the effect of missense changes on protein structure and function (SIFT, PolyPhen-2, Align-GVGD) all suggest that this variant is likely to be disruptive, but these predictions have not been confirmed by published functional studies and their clinical significance is uncertain. This sequence change replaces aspartic acid with tyrosine at codon 320 of the SCN1A protein (p.Asp320Tyr). The aspartic acid residue is highly conserved and there is a large physicochemical difference between aspartic acid and tyrosine. This variant is not present in population databases (ExAC no frequency). This variant has not been reported in the literature in individuals with SCN1A-related disease. This variant identified in the SCN1A gene is located in the extracellular D1-P1 region of the resulting protein (PMID: 25348405, 18804930), but it is unclear how this variant impacts the function of this protein. In summary, the available evidence is currently insufficient to determine the role of this variant in disease. Therefore, it has been classified as a Variant of Uncertain Significance.

Literature cited by the submitters: PubMed 25348405 (cited by Labcorp Genetics (formerly Invitae), Labcorp); PubMed 18804930 (cited by Labcorp Genetics (formerly Invitae), Labcorp).

NM_001165963.4(SCN1A):c.958G>T (p.Asp320Tyr)

Gene: SCN1A (sodium voltage-gated channel alpha subunit 1; minus strand). Cytogenetic location: 2q24.3.
Variant type: single nucleotide variant.
Coding change: c.958G>T on transcript NM_001165963.4 (MANE Select); coding-DNA position 958, G replaced by T.
Protein change: p.Asp320Tyr; replaces aspartic acid 320 with tyrosine.
Molecular consequence: missense variant. On other transcripts: 5 prime UTR variant (1), non-coding transcript variant (1).
Genome position (GRCh38, 1-based): chr2:166,051,725, C>A on the plus strand (G>T on the coding strand, the complement: SCN1A is on the minus strand). VCF-style: chr2-166051725-C-A. GRCh37 (hg19) VCF-style: chr2-166908235-C-A.
Other names: c.958G>T, p.Asp320Tyr (NM_001165964.3, NM_001202435.3, NM_001353948.2 and 10 more transcripts); c.-1468G>T (NM_001353961.2); short protein forms D320Y.
Identifiers: ClinVar variation 664732 (VCV000664732.11), dbSNP rs777317949, ClinGen allele CA349072440.
Genomic context (GRCh38, chr2:166,051,725, plus strand): 5'-TACAAACAATCCAATTCTACTTTTTAAGGAAATGTACATAACAATAATTCTTACTTGAAT[C>A]TTGAATATATGACTTCCAGTCAAACTCAAAGACAGTTTCATTTATAAGTGTACCATTATA-3'
Protein context (NP_001159435.1, residues 310-330): FEFDWKSYIQ[Asp320Tyr]SRYHYFLEGF